The following is an entry in ClinVar:

ClinVar aggregate classification (germline): Uncertain significance. Review status: criteria provided, multiple submitters, no conflicts (2 of 4 stars). 2 submissions from 2 submitters: Uncertain significance (2). Last evaluated 2024-03-20.

Conditions:
Tuberous sclerosis 2 (TSC2). Identifiers: Orphanet 805, MedGen C1860707, MONDO:0013199, OMIM 613254.
Isolated focal cortical dysplasia type II (FCORD2). Also called: CORTICAL DYSPLASIA OF TAYLOR; Focal cortical dysplasia type II. Identifiers: Orphanet 268994, MedGen C1846385, MONDO:0011818, OMIM 607341, HP:0032051.

Allele frequency attached by ClinVar (database versions not stated): gnomAD exomes 0.00001.

Submissions (2):

Baylor Genetics
Classification: Uncertain significance for Isolated focal cortical dysplasia type II. Last evaluated: 2024-03-20. Review status: criteria provided, single submitter. Criteria: ACMG Guidelines, 2015. Collection method: clinical testing. Allele origin: unknown.

Labcorp Genetics (formerly Invitae), Labcorp
Classification: Uncertain significance for Tuberous sclerosis 2. Last evaluated: 2023-05-16. Review status: criteria provided, single submitter. Criteria: Invitae Variant Classification Sherloc (09022015). Collection method: clinical testing. Allele origin: germline.
Comment: This variant has not been reported in the literature in individuals affected with TSC2-related conditions. Advanced modeling of protein sequence and biophysical properties (such as structural, functional, and spatial information, amino acid conservation, physicochemical variation, residue mobility, and thermodynamic stability) performed at Invitae indicates that this missense variant is not expected to disrupt TSC2 protein function. In summary, the available evidence is currently insufficient to determine the role of this variant in disease. Therefore, it has been classified as a Variant of Uncertain Significance. This variant is not present in population databases (gnomAD no frequency). This sequence change replaces alanine, which is neutral and non-polar, with valine, which is neutral and non-polar, at codon 1153 of the TSC2 protein (p.Ala1153Val).

NM_000548.5(TSC2):c.3458C>T (p.Ala1153Val)

Gene: TSC2 (TSC complex subunit 2; plus strand). Cytogenetic location: 16p13.3.
Variant type: single nucleotide variant.
Coding change: c.3458C>T on transcript NM_000548.5 (MANE Select); coding-DNA position 3458, C replaced by T.
Protein change: p.Ala1153Val; replaces alanine 1153 with valine.
Molecular consequence: missense variant. On other transcripts: non-coding transcript variant (5).
Genome position (GRCh38, 1-based): chr16:2,080,225, C>T. VCF-style: chr16-2080225-C-T. GRCh37 (hg19) VCF-style: chr16-2130226-C-T.
Other names: c.3455C>T, p.Ala1152Val (NM_001406663.1, NM_001406664.1); c.3326C>T, p.Ala1109Val (NM_001406665.1, NM_001077183.3, NM_001370404.1); c.3419C>T, p.Ala1140Val (NM_001406667.1); c.3416C>T, p.Ala1139Val (NM_001406668.1); c.3347C>T, p.Ala1116Val (NM_001406670.1); c.3317C>T, p.Ala1106Val (NM_001406671.1); c.3314C>T, p.Ala1105Val (NM_001406673.1); c.3311C>T, p.Ala1104Val (NM_001406675.1); and 18 more; short protein forms A1073V, A1103V, A1104V, A1106V, A1116V, A1120V, A661V, A662V.
Identifiers: ClinVar variation 2723932 (VCV002723932.4), dbSNP rs2151457521, ClinGen allele CA394288829.